The following is an entry in ClinVar:

ClinVar aggregate classification (germline): Pathogenic/Likely pathogenic. Review status: criteria provided, multiple submitters, no conflicts (2 of 4 stars). 2 submissions from 2 submitters: Pathogenic (1); Likely pathogenic (1). Last evaluated 2024-01-16.

Conditions:
Deficiency of guanidinoacetate methyltransferase (CCDS2). Also called: CEREBRAL CREATINE DEFICIENCY SYNDROME 2; Guanidinoacetate Methyltransferase (GAMT) Deficiency; GAMT DEFICIENCY. Identifiers: Orphanet 382, MedGen C0574080, MONDO:0012999, OMIM 612736.
Cerebral creatine deficiency syndrome. Also called: Creatine deficiency syndromes. Identifiers: Orphanet 79172, MedGen C5244016, MONDO:0000456.

Submissions (2):

Baylor Genetics
Classification: Likely pathogenic for Deficiency of guanidinoacetate methyltransferase. Last evaluated: 2024-01-16. Review status: criteria provided, single submitter. Criteria: ACMG Guidelines, 2015. Collection method: clinical testing. Allele origin: unknown.

Labcorp Genetics (formerly Invitae), Labcorp
Classification: Pathogenic for Cerebral creatine deficiency syndrome. Last evaluated: 2023-12-31. Review status: criteria provided, single submitter. Criteria: Invitae Variant Classification Sherloc (09022015). Collection method: clinical testing. Allele origin: germline.
Comment: This sequence change creates a premature translational stop signal (p.Asp101Thrfs*13) in the GAMT gene. It is expected to result in an absent or disrupted protein product. Loss-of-function variants in GAMT are known to be pathogenic (PMID: 15108290). The frequency data for this variant in the population databases is considered unreliable, as metrics indicate poor data quality at this position in the gnomAD database. This variant has not been reported in the literature in individuals affected with GAMT-related conditions. ClinVar contains an entry for this variant (Variation ID: 854826). For these reasons, this variant has been classified as Pathogenic.

Literature cited by the submitters: PubMed 15108290 (cited by Labcorp Genetics (formerly Invitae), Labcorp).

NM_000156.6(GAMT):c.301del (p.Asp101fs)

Gene: GAMT (guanidinoacetate N-methyltransferase; minus strand). Cytogenetic location: 19p13.3.
Variant type: Deletion.
Coding change: c.301del on transcript NM_000156.6 (MANE Select); coding-DNA position 301, one base deleted (G; older notation c.301delG).
Protein change: p.Asp101fs; shifts the reading frame from aspartic acid 101.
Molecular consequence: frameshift variant.
Genome position (GRCh38, 1-based): chr19:1,399,819, C deleted on the plus strand (G on the coding strand, the reverse complement: GAMT is on the minus strand); the first of 3 consecutive C bases (chr19:1,399,819-1,399,821); deleting any one gives the same sequence. VCF-style (leftmost placement, unchanged base first): chr19-1399818-TC-T. GRCh37 (hg19) VCF-style: chr19-1399817-TC-T.
Other names: c.301del, p.Asp101fs (NM_138924.3); short protein forms D101fs.
Identifiers: ClinVar variation 854826 (VCV000854826.10), dbSNP rs780806777, ClinGen allele CA9043744.
Genomic context (GRCh38, chr19:1,399,818, plus strand): 5'-TGGGGGTCCTGGAGGGCCTGCGGGCAGAGGGGCACCTTGTGTGTCTGCCGTGGGGCCCAG[TC>T]CCGGAGCCGCTGGAAGACGCCGTCATTGCACTCGATGATCCAATGCTCATCAATGGGCGC-3'